The following is an entry in ClinVar:

NM_012213.3(MLYCD):c.*7A>G

Gene: MLYCD (malonyl-CoA decarboxylase; plus strand). Cytogenetic location: 16q23.3.
Variant type: single nucleotide variant.
Coding change: c.*7A>G on transcript NM_012213.3 (MANE Select); 7 bases downstream of the stop codon, A replaced by G.
Molecular consequence: 3 prime UTR variant.
Genome position (GRCh38, 1-based): chr16:83,915,496, A>G. VCF-style: chr16-83915496-A-G. GRCh37 (hg19) VCF-style: chr16-83949101-A-G.
Identifiers: ClinVar variation 1306457 (VCV001306457.3), dbSNP rs755190768, ClinGen allele CA8197651.

ClinVar aggregate classification (germline): Conflicting classifications of pathogenicity. Review status: criteria provided, conflicting classifications (1 of 4 stars). 2 submissions from 2 submitters: Uncertain significance (1); Likely benign (1). Last evaluated 2024-10-21.

Allele frequency attached by ClinVar (database versions not stated): ExAC 0.00003; gnomAD exomes 0.00003 and 0.00004; gnomAD 0.00004 and 0.00005.
gnomAD v4.1: 33 of 1,608,952 alleles (0.0021%); highest among the groups gnomAD compares: Admixed American, 0.01%; no homozygotes.

Submissions (2):

Blueprint Genetics
Classification: Likely benign. Last evaluated: 2024-10-21. Review status: criteria provided, single submitter. Criteria: ACMG Guidelines, 2015. Collection method: clinical testing. Allele origin: germline.

GeneDx
Classification: Uncertain significance. Last evaluated: 2019-06-07. Review status: criteria provided, single submitter. Criteria: GeneDx Variant Classification Process June 2021. Collection method: clinical testing. Allele origin: germline. Affected: yes.
Comment: Not observed at a significant frequency in large population cohorts (Lek et al., 2016); Has not been previously published as pathogenic or benign to our knowledge; Not predicted to affect splicing